The following is an entry in ClinVar:

NM_144573.4(NEXN):c.1652T>C (p.Leu551Pro)

Gene: NEXN (nexilin F-actin binding protein; plus strand). Cytogenetic location: 1p31.1.
Variant type: single nucleotide variant.
Coding change: c.1652T>C on transcript NM_144573.4 (MANE Select); coding-DNA position 1652, T replaced by C.
Protein change: p.Leu551Pro; replaces leucine 551 with proline.
Molecular consequence: missense variant.
Genome position (GRCh38, 1-based): chr1:77,942,201, T>C. VCF-style: chr1-77942201-T-C. GRCh37 (hg19) VCF-style: chr1-78407886-T-C.
Other names: c.1460T>C, p.Leu487Pro (NM_001172309.2); short protein forms L487P, L551P.
Identifiers: ClinVar variation 1777284 (VCV001777284.2), dbSNP rs754819624, ClinGen allele CA918944.

ClinVar aggregate classification (germline): Uncertain significance (1 of 4 stars; one submission).

Conditions:
Cardiovascular phenotype. Identifiers: MedGen CN230736.

Allele frequency attached by ClinVar (database versions not stated): gnomAD exomes below 0.00001; gnomAD 0.00001; TOPMed 0.00001; ExAC 0.00002.
gnomAD v4.1: 4 of 1,613,476 alleles (0.00025%); highest among the groups gnomAD compares: East Asian, 0.0022%; no homozygotes.

Submission:

Ambry Genetics
Classification: Uncertain significance for Cardiovascular phenotype. Last evaluated: 2019-12-26. Review status: criteria provided, single submitter. Criteria: Ambry Variant Classification Scheme 2023. Collection method: clinical testing. Allele origin: germline.
Comment: The p.L551P variant (also known as c.1652T>C), located in coding exon 11 of the NEXN gene, results from a T to C substitution at nucleotide position 1652. The leucine at codon 551 is replaced by proline, an amino acid with similar properties. This amino acid position is highly conserved in available vertebrate species. In addition, this alteration is predicted to be deleterious by in silico analysis. Since supporting evidence is limited at this time, the clinical significance of this alteration remains unclear.